The following is an entry in ClinVar:

ClinVar aggregate classification (germline): Uncertain significance (1 of 4 stars; one submission).

Conditions:
Cardiovascular phenotype. Identifiers: MedGen CN230736.

Submission:

Ambry Genetics
Classification: Uncertain significance for Cardiovascular phenotype. Last evaluated: 2025-01-06. Review status: criteria provided, single submitter. Criteria: Ambry Variant Classification Scheme 2023. Collection method: clinical testing. Allele origin: germline.
Comment: The p.H242R variant (also known as c.725A>G), located in coding exon 8 of the ANK2 gene, results from an A to G substitution at nucleotide position 725. The histidine at codon 242 is replaced by arginine, an amino acid with highly similar properties. This amino acid position is conserved. In addition, this alteration is predicted to be deleterious by in silico analysis. Based on the available evidence, the clinical significance of this variant remains unclear.

NM_001148.6(ANK2):c.725A>G (p.His242Arg)

Gene: ANK2 (ankyrin 2; plus strand). Cytogenetic location: 4q26.
Variant type: single nucleotide variant.
Coding change: c.725A>G on transcript NM_001148.6 (MANE Select); coding-DNA position 725, A replaced by G.
Protein change: p.His242Arg; replaces histidine 242 with arginine.
Molecular consequence: missense variant.
Genome position (GRCh38, 1-based): chr4:113,240,516, A>G. VCF-style: chr4-113240516-A-G. GRCh37 (hg19) VCF-style: chr4-114161672-A-G.
Other names: c.662A>G, p.His221Arg (NM_001127493.3, NM_001354239.2, NM_001354243.2 and 14 more transcripts); c.725A>G, p.His242Arg (NM_001354225.2, NM_001354228.2, NM_001354232.2 and 9 more transcripts); c.770A>G, p.His257Arg (NM_001354230.2, NM_001354231.2, NM_001354237.2 and 5 more transcripts); c.638A>G, p.His213Arg (NM_001354249.2, NM_001354260.2, NM_001354264.2 and 16 more transcripts); c.683A>G, p.His228Arg (NM_001354261.2, NM_001386147.1, NM_001386160.1); c.713A>G, p.His238Arg (NM_001354269.3, NM_001386148.2, NM_001386186.2); c.776A>G, p.His259Arg (NM_001386174.1); c.752A>G, p.His251Arg (NM_001386175.1); and 1 more; short protein forms H257R, H259R, H213R, H230R, H238R, H221R, H242R, H251R.
Identifiers: ClinVar variation 3863987 (VCV003863987.1).